The following is an entry in ClinVar:

ClinVar aggregate classification (germline): Uncertain significance (1 of 4 stars; one submission).

Allele frequency attached by ClinVar (database versions not stated): gnomAD 0.00005; ExAC 0.00006; TOPMed 0.00006.
gnomAD v4.1: 19 of 1,547,700 alleles (0.0012%); highest among the groups gnomAD compares: African/African-American, 0.015%; no homozygotes.

Submission:

Labcorp Genetics (formerly Invitae), Labcorp
Classification: Uncertain significance. Last evaluated: 2025-06-12. Review status: criteria provided, single submitter. Criteria: Invitae Variant Classification Sherloc (09022015). Collection method: clinical testing. Allele origin: germline.
Comment: This sequence change replaces aspartic acid, which is acidic and polar, with asparagine, which is neutral and polar, at codon 1115 of the FBN3 protein (p.Asp1115Asn). The frequency data for this variant in the population databases is considered unreliable, as metrics indicate poor data quality at this position in the gnomAD database. This variant has not been reported in the literature in individuals affected with FBN3-related conditions. ClinVar contains an entry for this variant (Variation ID: 1906020). An algorithm developed to predict the effect of missense changes on protein structure and function outputs the following: PolyPhen-2: "Benign". The asparagine amino acid residue is found in multiple mammalian species, which suggests that this missense change does not adversely affect protein function. In summary, the available evidence is currently insufficient to determine the role of this variant in disease. Therefore, it has been classified as a Variant of Uncertain Significance.

NM_032447.5(FBN3):c.3343G>A (p.Asp1115Asn)

Gene: FBN3 (fibrillin 3; minus strand). Cytogenetic location: 19p13.2.
Variant type: single nucleotide variant.
Coding change: c.3343G>A on transcript NM_032447.5 (MANE Select); coding-DNA position 3343, G replaced by A.
Protein change: p.Asp1115Asn; replaces aspartic acid 1115 with asparagine.
Molecular consequence: missense variant.
Genome position (GRCh38, 1-based): chr19:8,117,584, C>T on the plus strand (G>A on the coding strand, the complement: FBN3 is on the minus strand). VCF-style: chr19-8117584-C-T. GRCh37 (hg19) VCF-style: chr19-8182468-C-T.
Other names: c.3343G>A, p.Asp1115Asn (NM_001321431.2); short protein forms D1115N.
Identifiers: ClinVar variation 1906020 (VCV001906020.5), dbSNP rs774181301, ClinGen allele CA9152468.